The following is an entry in ClinVar:

NM_005359.6(SMAD4):c.409G>C (p.Val137Leu)

Gene: SMAD4 (SMAD family member 4; plus strand). Cytogenetic location: 18q21.2.
Variant type: single nucleotide variant.
Coding change: c.409G>C on transcript NM_005359.6 (MANE Select); coding-DNA position 409, G replaced by C.
Protein change: p.Val137Leu; replaces valine 137 with leucine.
Molecular consequence: missense variant.
Genome position (GRCh38, 1-based): chr18:51,048,845, G>C. VCF-style: chr18-51048845-G-C. GRCh37 (hg19) VCF-style: chr18-48575215-G-C.
Other names: short protein forms V137L.
Identifiers: ClinVar variation 1405471 (VCV001405471.8), dbSNP rs1909623079, ClinGen allele CA402458820.

ClinVar aggregate classification (germline): Uncertain significance (1 of 4 stars; one submission).

Conditions:
Juvenile polyposis syndrome (JPS). Identifiers: Orphanet 2929, MedGen C0345893, MONDO:0017380, OMIM 174900.

Submission:

Labcorp Genetics (formerly Invitae), Labcorp
Classification: Uncertain significance for Juvenile polyposis syndrome. Last evaluated: 2021-07-13. Review status: criteria provided, single submitter. Criteria: Invitae Variant Classification Sherloc (09022015). Collection method: clinical testing. Allele origin: germline.
Comment: In summary, the available evidence is currently insufficient to determine the role of this variant in disease. Therefore, it has been classified as a Variant of Uncertain Significance. Advanced modeling of protein sequence and biophysical properties (such as structural, functional, and spatial information, amino acid conservation, physicochemical variation, residue mobility, and thermodynamic stability) performed at Invitae indicates that this missense variant is not expected to disrupt SMAD4 protein function. This variant has not been reported in the literature in individuals affected with SMAD4-related conditions. This variant is not present in population databases (ExAC no frequency). This sequence change replaces valine with leucine at codon 137 of the SMAD4 protein (p.Val137Leu). The valine residue is highly conserved and there is a small physicochemical difference between valine and leucine.